The following is an entry in ClinVar:

NM_004006.3(DMD):c.1978_1979del (p.Lys660fs)

Gene: DMD (dystrophin; minus strand). Cytogenetic location: Xp21.1.
Variant type: Deletion.
Coding change: c.1978_1979del on transcript NM_004006.3 (MANE Select); coding-DNA positions 1978 to 1979, 2 bases deleted (AA; older notation c.1978_1979delAA).
Protein change: p.Lys660fs; shifts the reading frame from lysine 660.
Molecular consequence: frameshift variant.
Genome position (GRCh38, 1-based): chrX:32,565,715-32,565,716, TT deleted on the plus strand (AA on the coding strand, the reverse complement: DMD is on the minus strand); deleting any 2 consecutive bases within chrX:32,565,715-32,565,718 gives the same sequence; the c. name uses the placement nearest the transcript's 3' end. VCF-style (leftmost placement, unchanged base first): chrX-32565714-CTT-C. GRCh37 (hg19) VCF-style: chrX-32583831-CTT-C.
Other names: c.1954_1955del, p.Lys652fs (NM_000109.4); c.1966_1967del, p.Lys656fs (NM_004009.3); c.1609_1610del, p.Lys537fs (NM_004010.3); short protein forms K652fs, K656fs, K537fs, K660fs.
Identifiers: ClinVar variation 596932 (VCV000596932.7), dbSNP rs1569213903, ClinGen allele CA913190503.

ClinVar aggregate classification (germline): Pathogenic. Review status: criteria provided, multiple submitters, no conflicts (2 of 4 stars). 2 submissions from 2 submitters: Pathogenic (2). Last evaluated 2024-07-19.

Conditions:
Duchenne muscular dystrophy (DMD). Also called: MUSCULAR DYSTROPHY, PSEUDOHYPERTROPHIC PROGRESSIVE, DUCHENNE TYPE; Duchenne Muscular Dystrophy (DMD). Identifiers: Orphanet 98896, MedGen C0013264, MONDO:0010679, OMIM 310200.

Submissions (2):

Labcorp Genetics (formerly Invitae), Labcorp
Classification: Pathogenic for Duchenne muscular dystrophy. Last evaluated: 2024-07-19. Review status: criteria provided, single submitter. Criteria: Invitae Variant Classification Sherloc (09022015). Collection method: clinical testing. Allele origin: germline.
Comment: This sequence change creates a premature translational stop signal (p.Lys660Glufs*59) in the DMD gene. It is expected to result in an absent or disrupted protein product. Loss-of-function variants in DMD are known to be pathogenic (PMID: 16770791, 25007885). This variant is not present in population databases (gnomAD no frequency). This premature translational stop signal has been observed in individual(s) with Duchenne muscular dystrophy (PMID: 17726484, 31727011). ClinVar contains an entry for this variant (Variation ID: 596932). For these reasons, this variant has been classified as Pathogenic.

Eurofins Ntd Llc (ga)
Classification: Pathogenic. Last evaluated: 2018-05-17. Review status: criteria provided, single submitter. Criteria: EGL ClinVar v180209 classification definitions. Collection method: clinical testing. Allele origin: germline. Observed: 1 variant allele, 1 heterozygote.

Literature cited by the submitters: PubMed 16770791 (cited by Labcorp Genetics (formerly Invitae), Labcorp); PubMed 25007885 (cited by Labcorp Genetics (formerly Invitae), Labcorp); PubMed 17726484 (cited by Labcorp Genetics (formerly Invitae), Labcorp); PubMed 31727011 (cited by Labcorp Genetics (formerly Invitae), Labcorp).